The following is an entry in ClinVar:

NM_206933.4(USH2A):c.14795C>A (p.Pro4932His)

Gene: USH2A (usherin; minus strand). Cytogenetic location: 1q41.
Variant type: single nucleotide variant.
Coding change: c.14795C>A on transcript NM_206933.4 (MANE Select); coding-DNA position 14795, C replaced by A.
Protein change: p.Pro4932His; replaces proline 4932 with histidine.
Molecular consequence: missense variant.
Genome position (GRCh38, 1-based): chr1:215,640,731, G>T on the plus strand (C>A on the coding strand, the complement: USH2A is on the minus strand). VCF-style: chr1-215640731-G-T. GRCh37 (hg19) VCF-style: chr1-215814073-G-T.
Other names: short protein forms P4932H.
Identifiers: ClinVar variation 4525860 (VCV004525860.1).
Genomic context (GRCh38, chr1:215,640,731, plus strand): 5'-CTCCAGTTCACACACACCACAGACAAATTGCTGTCCACCGAAAATGGGGCTCGGTACTGA[G>T]GCACTGTGGGGAGAAAGTTGTATGTTCTAAAAAGGGTAACCTCTTTGAAGGAGTGCAGGT-3'
Protein context (NP_996816.3, residues 4922-4942): WISFTTQKEL[Pro4932His]QYRAPFSVDS

ClinVar aggregate classification (germline): Uncertain significance (1 of 4 stars; one submission).

Submission:

Women's Health and Genetics/Laboratory Corporation of America, LabCorp
Classification: Uncertain significance. Last evaluated: 2025-07-16. Review status: criteria provided, single submitter. Criteria: LabCorp Variant Classification Summary - May 2015. Collection method: clinical testing. Allele origin: germline.
Comment: Variant summary: USH2A c.14795C>A (p.Pro4932His) results in a non-conservative amino acid change in the encoded protein sequence. Algorithms developed to predict the effect of missense changes on protein structure and function all suggest that this variant is likely to be disruptive. The variant was absent in 251350 control chromosomes. The available data on variant occurrences in the general population are insufficient to allow any conclusion about variant significance. c.14795C>A has been observed in individual(s) affected with Usher Syndrome (Zhu_2021). These data do not allow any conclusion about variant significance. To our knowledge, no experimental evidence demonstrating an impact on protein function has been reported. The following publication have been ascertained in the context of this evaluation (PMID: 32675063). No submitters have cited clinical-significance assessments for this variant to ClinVar. Based on the evidence outlined above, the variant was classified as uncertain significance.

Literature cited by the submitters: PubMed 32675063.